The following is an entry in ClinVar:

ClinVar aggregate classification (germline): Uncertain significance. Review status: criteria provided, multiple submitters, no conflicts (2 of 4 stars). 2 submissions from 2 submitters: Uncertain significance (2). Last evaluated 2025-05-14.

gnomAD v4.1: 17 of 1,614,152 alleles (0.0011%); highest among the groups gnomAD compares: Middle Eastern, 0.017%; no homozygotes.

Submissions (2):

Mayo Clinic Laboratories, Mayo Clinic
Classification: Uncertain significance. Last evaluated: 2025-05-14. Review status: criteria provided, single submitter. Criteria: ACMG Guidelines, 2015. Collection method: clinical testing. Allele origin: germline. Observed: 1 variant allele.
Comment: PM2_supporting, PVS1_moderate

Labcorp Genetics (formerly Invitae), Labcorp
Classification: Uncertain significance. Last evaluated: 2025-03-27. Review status: criteria provided, single submitter. Criteria: Invitae Variant Classification Sherloc (09022015). Collection method: clinical testing. Allele origin: germline.
Comment: This sequence change creates a premature translational stop signal (p.Arg329*) in the TALDO1 gene. While this is not anticipated to result in nonsense mediated decay, it is expected to disrupt the last 9 amino acid(s) of the TALDO1 protein. This variant is present in population databases (no rsID available, gnomAD 0.002%). This variant has not been reported in the literature in individuals affected with TALDO1-related conditions. Experimental studies and prediction algorithms are not available or were not evaluated, and the functional significance of this variant is currently unknown. In summary, the available evidence is currently insufficient to determine the role of this variant in disease. Therefore, it has been classified as a Variant of Uncertain Significance.

NM_006755.2(TALDO1):c.985C>T (p.Arg329Ter)

Gene: TALDO1 (transaldolase 1; plus strand). Cytogenetic location: 11p15.5.
Variant type: single nucleotide variant.
Coding change: c.985C>T on transcript NM_006755.2 (MANE Select); coding-DNA position 985, C replaced by T.
Protein change: p.Arg329Ter; replaces arginine 329 with a stop codon.
Molecular consequence: nonsense.
Genome position (GRCh38, 1-based): chr11:764,816, C>T. VCF-style: chr11-764816-C-T. GRCh37 (hg19) VCF-style: chr11-764816-C-T.
Other names: p.Arg329*; short protein forms R329*.
Identifiers: ClinVar variation 4541600 (VCV004541600.2).
Genomic context (GRCh38, chr11:764,816, plus strand): 5'-CTTCAAGGTGCAGAAGGTAGGGTGGGGAGACACAGCTCGTGCTCTGTTTGTTTCTAGGAA[C>T]GAATGTTCAATGCAGAGAATGGAAAGTAGCGCATCCCTGAGGCTGGACTCCAGATCTGCA-3'